The following is an entry in ClinVar:

NM_000642.3(AGL):c.2950-2A>C

Gene: AGL (amylo-alpha-1,6-glucosidase and 4-alpha-glucanotransferase; plus strand). Cytogenetic location: 1p21.2.
Variant type: single nucleotide variant.
Coding change: c.2950-2A>C on transcript NM_000642.3 (MANE Select); the canonical splice acceptor site of the intron before coding-DNA position 2950, A replaced by C.
Molecular consequence: splice acceptor variant.
Genome position (GRCh38, 1-based): chr1:99,891,604, A>C. VCF-style: chr1-99891604-A-C. GRCh37 (hg19) VCF-style: chr1-100357160-A-C.
Other names: c.2950-2A>C (NM_000643.3, NM_000644.3, NM_001425325.1 and 1 more transcripts); c.2902-2A>C (NM_000646.3); c.2929-2A>C (NM_001425326.1); c.2749-2A>C (NM_001425327.1); c.2746-2A>C (NM_001425328.1); c.2611-2A>C (NM_001425329.1); c.2572-2A>C (NM_001425332.1).
Identifiers: ClinVar variation 555949 (VCV000555949.9), dbSNP rs770438130, ClinGen allele CA966946.
Genomic context (GRCh38, chr1:99,891,604, plus strand): 5'-TCTAAAAACACACCTAGTCTGTACACATACCAAATTAACTTTCAAATTTATTTTAATTAC[A>C]GGTTGGTAAATGGTTGCAGGCTATGTTCTTCTACCTGAAGCAGATCCCACGTTACCTTAT-3'

ClinVar aggregate classification (germline): Likely pathogenic. Review status: criteria provided, multiple submitters, no conflicts (2 of 4 stars). 4 submissions from 4 submitters: Likely pathogenic (3). 1 of the submissions does not count toward it. Last evaluated 2025-07-18.

Conditions:
Glycogen storage disease type III (GSD3). Also called: Cori disease; FORBES DISEASE. Identifiers: Orphanet 366, MedGen C0017922, MONDO:0009291, OMIM 232400.

Allele frequency attached by ClinVar (database versions not stated): gnomAD exomes below 0.00001; ExAC 0.00001.
gnomAD v4.1: 1 of 1,613,486 alleles (0.000062%); highest among the groups gnomAD compares: Middle Eastern, 0.017%; no homozygotes.

Submissions (4):

Myriad Genetics, Inc.
Classification: Likely pathogenic for Glycogen storage disease type III. Last evaluated: 2025-07-18. Review status: criteria provided, single submitter. Criteria: Myriad Autosomal Dominant, Autosomal Recessive and X-Linked Classification Criteria (2023). Collection method: clinical testing. Allele origin: unknown.
Comment: NM_000642.2(AGL):c.2950-2A>C is a variant in a canonical splice site classified as likely pathogenic in the context of glycogen storage disease type III. c.2950-2A>C has not been observed in cases with relevant disease. Relevant functional assessments of this variant are not available in the literature. c.2950-2A>C has been observed in referenced population frequency databases. In summary, NM_000642.2(AGL):c.2950-2A>C is a variant in a canonical splice site in a gene where loss of function is a known mechanism of disease and is predicted to disrupt protein function. Please note: this variant was assessed in the context of healthy population screening.

Labcorp Genetics (formerly Invitae), Labcorp
Classification: Likely pathogenic for Glycogen storage disease type III. Last evaluated: 2024-05-06. Review status: criteria provided, single submitter. Criteria: Invitae Variant Classification Sherloc (09022015). Collection method: clinical testing. Allele origin: germline.
Comment: This sequence change affects an acceptor splice site in intron 22 of the AGL gene. It is expected to disrupt RNA splicing. Variants that disrupt the donor or acceptor splice site typically lead to a loss of protein function (PMID: 16199547), and loss-of-function variants in AGL are known to be pathogenic (PMID: 19299494). This variant is present in population databases (rs770438130, gnomAD no frequency). Disruption of this splice site has been observed in individual(s) with glycogen storage disease (PMID: 31319225). ClinVar contains an entry for this variant (Variation ID: 555949). Algorithms developed to predict the effect of sequence changes on RNA splicing suggest that this variant may disrupt the consensus splice site. In summary, the currently available evidence indicates that the variant is pathogenic, but additional data are needed to prove that conclusively. Therefore, this variant has been classified as Likely Pathogenic.

Genome-Nilou Lab
Classification: Likely pathogenic for Glycogen storage disease type III. Last evaluated: 2023-04-11. Review status: criteria provided, single submitter. Criteria: ACMG Guidelines, 2015. Collection method: clinical testing. Allele origin: germline. Affected: no.

Counsyl
Classification: Likely pathogenic for Glycogen storage disease type III. Last evaluated: 2018-01-04. Review status: no assertion criteria provided. Collection method: clinical testing. Allele origin: unknown. Not counted in ClinVar's aggregate classification.

Literature cited by the submitters: PubMed 16199547 (cited by Labcorp Genetics (formerly Invitae), Labcorp); PubMed 19299494 (cited by Labcorp Genetics (formerly Invitae), Labcorp); PubMed 31319225 (cited by Labcorp Genetics (formerly Invitae), Labcorp).